The following is an entry in ClinVar:

NM_005560.6(LAMA5):c.1043C>T (p.Ala348Val)

Gene: LAMA5 (laminin subunit alpha 5; minus strand). Cytogenetic location: 20q13.33.
Variant type: single nucleotide variant.
Coding change: c.1043C>T on transcript NM_005560.6 (MANE Select); coding-DNA position 1043, C replaced by T.
Protein change: p.Ala348Val; replaces alanine 348 with valine.
Molecular consequence: missense variant.
Genome position (GRCh38, 1-based): chr20:62,346,942, G>A on the plus strand (C>T on the coding strand, the complement: LAMA5 is on the minus strand). VCF-style: chr20-62346942-G-A. GRCh37 (hg19) VCF-style: chr20-60921998-G-A.
Other names: short protein forms A348V.
Identifiers: ClinVar variation 2636147 (VCV002636147.6), dbSNP rs201517990, ClinGen allele CA9944156.

ClinVar aggregate classification (germline): Uncertain significance. Review status: criteria provided, multiple submitters, no conflicts (2 of 4 stars). 3 submissions from 3 submitters: Uncertain significance (3). Last evaluated 2026-01-01.

Conditions:
LAMA5-related disorder. Also called: LAMA5-Related Disorders; LAMA5-related condition.

Allele frequency attached by ClinVar (database versions not stated): gnomAD exomes 0.00002; ExAC 0.00003; gnomAD 0.00011; ESP Exome Variant Server 0.00023.

Submissions (3):

CeGaT Center for Human Genetics Tuebingen
Classification: Uncertain significance. Last evaluated: 2026-01-01. Review status: criteria provided, single submitter. Criteria: CeGaT Center For Human Genetics Tuebingen Variant Classification Criteria Version 2. Collection method: clinical testing. Allele origin: germline. Affected: yes. Observed: 1 variant allele.
Comment: LAMA5: PM2

Labcorp Genetics (formerly Invitae), Labcorp
Classification: Uncertain significance. Last evaluated: 2024-06-03. Review status: criteria provided, single submitter. Criteria: Invitae Variant Classification Sherloc (09022015). Collection method: clinical testing. Allele origin: germline.
Comment: This sequence change replaces alanine, which is neutral and non-polar, with valine, which is neutral and non-polar, at codon 348 of the LAMA5 protein (p.Ala348Val). This variant is present in population databases (rs201517990, gnomAD 0.03%). This variant has not been reported in the literature in individuals affected with LAMA5-related conditions. ClinVar contains an entry for this variant (Variation ID: 2636147). An algorithm developed to predict the effect of missense changes on protein structure and function (PolyPhen-2) suggests that this variant is likely to be disruptive. In summary, the available evidence is currently insufficient to determine the role of this variant in disease. Therefore, it has been classified as a Variant of Uncertain Significance.

PreventionGenetics, part of Exact Sciences
Classification: Uncertain significance for LAMA5-related condition. Last evaluated: 2023-06-20. Review status: criteria provided, single submitter. Criteria: ACMG Guidelines, 2015. Collection method: clinical testing. Allele origin: germline.
Comment: The LAMA5 c.1043C>T variant is predicted to result in the amino acid substitution p.Ala348Val. To our knowledge, this variant has not been reported in the literature. This variant is reported in 0.028% of alleles in individuals of African descent in gnomAD. At this time, the clinical significance of this variant is uncertain due to the absence of conclusive functional and genetic evidence.